The following is an entry in ClinVar:

ClinVar aggregate classification (germline): Uncertain significance (1 of 4 stars; one submission).

Allele frequency attached by ClinVar (database versions not stated): gnomAD exomes below 0.00001; gnomAD 0.00001; ExAC 0.00002.
gnomAD v4.1: 3 of 1,198,335 alleles (0.00025%); highest among the groups gnomAD compares: Middle Eastern, 0.023%; no homozygotes.

Submission:

Women's Health and Genetics/Laboratory Corporation of America, LabCorp
Classification: Uncertain significance. Last evaluated: 2023-09-01. Review status: criteria provided, single submitter. Criteria: LabCorp Variant Classification Summary - May 2015. Collection method: clinical testing. Allele origin: germline.
Comment: Variant summary: POLA1 c.392C>T (p.Pro131Leu) results in a non-conservative amino acid change in the encoded protein sequence. Three of five in-silico tools predict a damaging effect of the variant on protein function. The variant allele was found at a frequency of 1.2e-05 in 173380 control chromosomes (gnomAD). The available data on variant occurrences in the general population are insufficient to allow any conclusion about variant significance. To our knowledge, no occurrence of c.392C>T in individuals affected with X-Linked Intellectual Disability, Van Esch Type and no experimental evidence demonstrating its impact on protein function have been reported. No submitters have cited clinical-significance assessments for this variant to ClinVar after 2014. Based on the evidence outlined above, the variant was classified as uncertain significance.

NM_001330360.2(POLA1):c.410C>T (p.Pro137Leu)

Gene: POLA1 (DNA polymerase alpha 1, catalytic subunit; plus strand). Cytogenetic location: Xp22.11.
Variant type: single nucleotide variant.
Coding change: c.410C>T on transcript NM_001330360.2 (MANE Select); coding-DNA position 410, C replaced by T.
Protein change: p.Pro137Leu; replaces proline 137 with leucine.
Molecular consequence: missense variant. On other transcripts: non-coding transcript variant (2).
Genome position (GRCh38, 1-based): chrX:24,714,617, C>T. VCF-style: chrX-24714617-C-T. GRCh37 (hg19) VCF-style: chrX-24732734-C-T.
Other names: c.410C>T, p.Pro137Leu (NM_001378303.1); c.392C>T, p.Pro131Leu (NM_016937.4); short protein forms P131L, P137L.
Identifiers: ClinVar variation 2627258 (VCV002627258.1), dbSNP rs760605087, ClinGen allele CA10372774.